The following is an entry in ClinVar:

NM_000334.4(SCN4A):c.486_487insGGCG (p.Thr163fs)

Gene: SCN4A (sodium voltage-gated channel alpha subunit 4; minus strand). Cytogenetic location: 17q23.3.
Variant type: Insertion.
Coding change: c.486_487insGGCG on transcript NM_000334.4 (MANE Select); coding-DNA positions 486 to 487, GGCG inserted.
Protein change: p.Thr163fs; shifts the reading frame from threonine 163.
Molecular consequence: frameshift variant.
Genome position: GRCh38 VCF-style: chr17-63971846-T-TCGCC. GRCh37 (hg19) VCF-style: chr17-62049206-T-TCGCC.
Other names: short protein forms T163fs.
Identifiers: ClinVar variation 3338061 (VCV003338061.1).

ClinVar aggregate classification (germline): Likely pathogenic (0 of 4 stars; one submission).

Conditions:
Potassium-aggravated myotonia. Also called: MYOTONIA CONGENITA, ACETAZOLAMIDE-RESPONSIVE; MYOTONIA CONGENITA, ATYPICAL; SODIUM CHANNEL MUSCLE DISEASE; Myotonia congenita, atypical, acetazolamide-responsive. Identifiers: Orphanet 612, Orphanet 99734, Orphanet 99735, Orphanet 99736, MedGen C2931826, MONDO:0018959, OMIM 608390.

Submission:

Solve-RD Consortium
Classification: Likely pathogenic for Potassium-aggravated myotonia. Last evaluated: 2022-06-01. Review status: no assertion criteria provided. Collection method: provider interpretation. Allele origin: inherited. Affected: yes.
Comment: Variant confirmed as disease-causing by referring clinical team

Variant identified during reanalysis of unsolved cases by the Solve-RD project. The Solve-RD project has received funding from the European Union’s Horizon 2020 research and innovation programme under grant agreement No 779257.

Literature cited by the submitters: PubMed 39825153.